The following is an entry in ClinVar:

NM_018489.3(ASH1L):c.6777C>T (p.Ser2259=)

Gene: ASH1L (ASH1 like histone lysine methyltransferase; minus strand). Cytogenetic location: 1q22.
Variant type: single nucleotide variant.
Coding change: c.6777C>T on transcript NM_018489.3 (MANE Select); coding-DNA position 6777, C replaced by T.
Protein change: p.Ser2259=; no amino-acid change (serine 2259 retained).
Molecular consequence: synonymous variant.
Genome position (GRCh38, 1-based): chr1:155,360,319, G>A on the plus strand (C>T on the coding strand, the complement: ASH1L is on the minus strand). VCF-style: chr1-155360319-G-A. GRCh37 (hg19) VCF-style: chr1-155330110-G-A.
Other names: c.6792C>T, p.Ser2264= (NM_001366177.2).
Identifiers: ClinVar variation 3047783 (VCV003047783.2), dbSNP rs746392975, ClinGen allele CA421017293.

ClinVar aggregate classification (germline): Likely benign (0 of 4 stars; one submission).

Conditions:
ASH1L-related disorder. Also called: ASH1L-related condition.

Allele frequency attached by ClinVar (database versions not stated): TOPMed below 0.00001; gnomAD 0.00001.
gnomAD v4.1: 18 of 1,611,444 alleles (0.0011%); highest among the groups gnomAD compares: East Asian, 0.0022%; no homozygotes.

Submission:

PreventionGenetics, part of Exact Sciences
Classification: Likely benign for ASH1L-related condition. Last evaluated: 2023-01-04. Review status: no assertion criteria provided. Collection method: clinical testing. Allele origin: germline.
Comment: This variant is classified as likely benign based on ACMG/AMP sequence variant interpretation guidelines (Richards et al. 2015 PMID: 25741868, with internal and published modifications).